The following is an entry in ClinVar:

ClinVar aggregate classification (germline): Uncertain significance (1 of 4 stars; one submission).

Conditions:
Emery-Dreifuss muscular dystrophy 5, autosomal dominant (EDMD5). Also called: EMERY-DREIFUSS MUSCULAR DYSTROPHY 5. Identifiers: Orphanet 261, MedGen C2751805, MONDO:0013072, OMIM 612999.

gnomAD v4.1: 9 of 1,614,214 alleles (0.00056%); highest among the groups gnomAD compares: South Asian, 0.0088%; no homozygotes.

Submission:

Labcorp Genetics (formerly Invitae), Labcorp
Classification: Uncertain significance for Emery-Dreifuss muscular dystrophy 5, autosomal dominant. Last evaluated: 2024-05-10. Review status: criteria provided, single submitter. Criteria: Invitae Variant Classification Sherloc (09022015). Collection method: clinical testing. Allele origin: germline.
Comment: This sequence change replaces valine, which is neutral and non-polar, with methionine, which is neutral and non-polar, at codon 4748 of the SYNE2 protein (p.Val4748Met). This variant is present in population databases (no rsID available, gnomAD 0.003%). This variant has not been reported in the literature in individuals affected with SYNE2-related conditions. An algorithm developed to predict the effect of missense changes on protein structure and function (PolyPhen-2) suggests that this variant is likely to be disruptive. In summary, the available evidence is currently insufficient to determine the role of this variant in disease. Therefore, it has been classified as a Variant of Uncertain Significance.

NM_182914.3(SYNE2):c.14242G>A (p.Val4748Met)

Gene: SYNE2 (spectrin repeat containing nuclear envelope protein 2; plus strand). Cytogenetic location: 14q23.2.
Variant type: single nucleotide variant.
Coding change: c.14242G>A on transcript NM_182914.3 (MANE Select); coding-DNA position 14242, G replaced by A.
Protein change: p.Val4748Met; replaces valine 4748 with methionine.
Molecular consequence: missense variant.
Genome position (GRCh38, 1-based): chr14:64,130,150, G>A. VCF-style: chr14-64130150-G-A. GRCh37 (hg19) VCF-style: chr14-64596868-G-A.
Other names: c.14242G>A, p.Val4748Met (NM_015180.6); short protein forms V4748M.
Identifiers: ClinVar variation 3710180 (VCV003710180.2).
Genomic context (GRCh38, chr14:64,130,150, plus strand): 5'-ACAGAACTCAGCAGCCCTTTCGTCACTGAGAGCCAGCAAGATGCTTTGTTGCAAGGCATG[G>A]TGGAACTGGTGAAGATTGGGAAGGAAAAGCTTGCTCATGGCCACTTAAAACAAACCAAAA-3'
Protein context (NP_878918.2, residues 4738-4758): SQQDALLQGM[Val4748Met]ELVKIGKEKL